The following is an entry in ClinVar:

NM_181703.4(GJA5):c.905G>A (p.Arg302Gln)

Gene: GJA5 (gap junction protein alpha 5; minus strand). Cytogenetic location: 1q21.2.
Variant type: single nucleotide variant.
Coding change: c.905G>A on transcript NM_181703.4 (MANE Select); coding-DNA position 905, G replaced by A.
Protein change: p.Arg302Gln; replaces arginine 302 with glutamine.
Molecular consequence: missense variant.
Genome position (GRCh38, 1-based): chr1:147,758,334, C>T on the plus strand (G>A on the coding strand, the complement: GJA5 is on the minus strand). VCF-style: chr1-147758334-C-T. GRCh37 (hg19) VCF-style: chr1-147230442-C-T.
Other names: c.905G>A, p.Arg302Gln (NM_005266.7); short protein forms R302Q.
Identifiers: ClinVar variation 1504457 (VCV001504457.6), dbSNP rs781925387, ClinGen allele CA1065681.

ClinVar aggregate classification (germline): Uncertain significance (1 of 4 stars; one submission).

Conditions:
Atrial standstill 1 (ATRST1). Also called: Atrial standstill, digenic (GJA5/SCN5A); ATRIAL CARDIOMYOPATHY WITH HEART BLOCK; CARDIOMYOPATHY, FAMILIAL, WITH CONDUCTION DISTURBANCE. Identifiers: Orphanet 1344, MedGen C4551959, MONDO:0007171, OMIM 108770.
Atrial fibrillation, familial, 11 (ATFB11). Identifiers: MedGen C3279693, MONDO:0013544, OMIM 614049.

Allele frequency attached by ClinVar (database versions not stated): gnomAD exomes below 0.00001; ExAC 0.00001; TOPMed 0.00001.
gnomAD v4.1: 5 of 1,614,144 alleles (0.00031%); highest among the groups gnomAD compares: African/African-American, 0.0053%; no homozygotes.

Submission:

Labcorp Genetics (formerly Invitae), Labcorp
Classification: Uncertain significance for Atrial fibrillation, familial, 11; Atrial standstill 1. Last evaluated: 2026-01-28. Review status: criteria provided, single submitter. Criteria: Invitae Variant Classification Sherloc (09022015). Collection method: clinical testing. Allele origin: germline.
Comment: This sequence change replaces arginine, which is basic and polar, with glutamine, which is neutral and polar, at codon 302 of the GJA5 protein (p.Arg302Gln). This variant is present in population databases (rs781925387, gnomAD 0.007%). This variant has not been reported in the literature in individuals affected with GJA5-related conditions. ClinVar contains an entry for this variant (Variation ID: 1504457). An algorithm developed to predict the effect of missense changes on protein structure and function outputs the following: PolyPhen-2: "Benign". The glutamine amino acid residue is found in multiple mammalian species, which suggests that this missense change does not adversely affect protein function. In summary, the available evidence is currently insufficient to determine the role of this variant in disease. Therefore, it has been classified as a Variant of Uncertain Significance.